The following is an entry in ClinVar:

ClinVar aggregate classification (germline): Pathogenic (1 of 4 stars; one submission).

Conditions:
Dyskeratosis congenita. Identifiers: Orphanet 1775, MedGen C0265965, MONDO:0015780.

Submission:

Labcorp Genetics (formerly Invitae), Labcorp
Classification: Pathogenic for Dyskeratosis congenita. Last evaluated: 2019-10-23. Review status: criteria provided, single submitter. Criteria: Invitae Variant Classification Sherloc (09022015). Collection method: clinical testing. Allele origin: germline.
Comment: For these reasons, this variant has been classified as Pathogenic. Loss-of-function variants in CTC1 are known to be pathogenic (PMID: 22267198, 22387016). This variant has not been reported in the literature in individuals with CTC1-related conditions. This variant is not present in population databases (ExAC no frequency). This sequence change creates a premature translational stop signal (p.Pro963Glnfs*33) in the CTC1 gene. It is expected to result in an absent or disrupted protein product.

Literature cited by the submitters: PubMed 22267198; PubMed 22387016.

NM_025099.6(CTC1):c.2888del (p.Pro963fs)

Gene: CTC1 (CST telomere replication complex component 1; minus strand). Cytogenetic location: 17p13.1.
Variant type: Deletion.
Coding change: c.2888del on transcript NM_025099.6 (MANE Select); coding-DNA position 2888, one base deleted (C; older notation c.2888delC).
Protein change: p.Pro963fs; shifts the reading frame from proline 963.
Molecular consequence: frameshift variant. On other transcripts: non-coding transcript variant (1).
Genome position (GRCh38, 1-based): chr17:8,230,339, G deleted on the plus strand (C on the coding strand, the reverse complement: CTC1 is on the minus strand); the first of 2 consecutive G bases (chr17:8,230,339-8,230,340); deleting either gives the same sequence. VCF-style (leftmost placement, unchanged base first): chr17-8230338-TG-T. GRCh37 (hg19) VCF-style: chr17-8133656-TG-T.
Other names: short protein forms P963fs.
Identifiers: ClinVar variation 957807 (VCV000957807.7), dbSNP rs1987105095, ClinGen allele CA1139665203.